The following is an entry in ClinVar:

ClinVar aggregate classification (germline): Likely pathogenic (1 of 4 stars; one submission).

Conditions:
Duchenne muscular dystrophy (DMD). Also called: MUSCULAR DYSTROPHY, PSEUDOHYPERTROPHIC PROGRESSIVE, DUCHENNE TYPE; Duchenne Muscular Dystrophy (DMD). Identifiers: Orphanet 98896, MedGen C0013264, MONDO:0010679, OMIM 310200.

Submission:

Labcorp Genetics (formerly Invitae), Labcorp
Classification: Likely pathogenic for Duchenne muscular dystrophy. Last evaluated: 2020-02-24. Review status: criteria provided, single submitter. Criteria: Invitae Variant Classification Sherloc (09022015). Collection method: clinical testing. Allele origin: germline.
Comment: In summary, the currently available evidence indicates that the variant is pathogenic, but additional data are needed to prove that conclusively. Therefore, this variant has been classified as Likely Pathogenic. Loss-of-function variants in DMD are known to be pathogenic (PMID: 16770791, 25007885). This variant has been observed in individual(s) with clinical features of muscular dystrophy (Invitae). This variant results in a copy number gain of the genomic region encompassing exons 8-47 of the DMD gene. While the exact position of this variant cannot be determined from this data, sub-genic copy number gains are generally in tandem (PMID: 25640679) and may result in an absent or disrupted protein product.

Literature cited by the submitters: PubMed 16770791; PubMed 25007885; PubMed 25640679.

NC_000023.10:g.(?_31947703)_(32717420_?)dup

Gene: DMD (dystrophin; minus strand). Cytogenetic location: Xp21.1.
Variant type: Duplication.
Identifiers: ClinVar variation 1066255 (VCV001066255.3).